The following is an entry in ClinVar:

ClinVar aggregate classification (germline): Conflicting classifications of pathogenicity. Review status: criteria provided, conflicting classifications (1 of 4 stars). 14 submissions from 14 submitters: Uncertain significance (2); Benign (2); Likely benign (7). 3 of the submissions do not count toward it. Last evaluated 2026-02-03.

Conditions:
Hereditary cancer-predisposing syndrome. Also called: Tumor predisposition; Hereditary neoplastic syndrome; Neoplastic Syndromes, Hereditary; Hereditary Cancer Syndrome. Identifiers: Orphanet 140162, MedGen C0027672, MeSH D009386, MONDO:0015356.
Breast and/or ovarian cancer. Identifiers: MedGen CN221562.
Fanconi anemia complementation group J. Also called: BRIP1-Related Fanconi Anemia. Identifiers: Orphanet 84, MedGen C1836860, MONDO:0012187, OMIM 609054.
Familial cancer of breast. Also called: Hereditary breast cancer; BREAST CANCER, FAMILIAL; hereditary breast carcinoma. Identifiers: Orphanet 227535, MedGen C0346153, MONDO:0016419, OMIM 114480. Disease mechanism: loss of function.

Allele frequency attached by ClinVar (database versions not stated): gnomAD exomes 0.00028 and 0.00041; gnomAD 0.00034 and 0.00036; TOPMed 0.00037; 1000 Genomes Project 0.00040; 1000 Genomes Project 30x 0.00047; ExAC 0.00050.
gnomAD v4.1: 459 of 1,602,000 alleles (0.029%); highest among the groups gnomAD compares: Admixed American, 0.1%; no homozygotes.

Submissions (15):

Labcorp Genetics (formerly Invitae), Labcorp
Classification: Likely benign for Familial cancer of breast; Fanconi anemia complementation group J. Last evaluated: 2026-02-03. Review status: criteria provided, single submitter. Criteria: Invitae Variant Classification Sherloc (09022015). Collection method: clinical testing. Allele origin: germline.

Center for Genomic Medicine, Rigshospitalet, Copenhagen University Hospital
Classification: Likely benign. Last evaluated: 2025-03-04. Review status: criteria provided, single submitter. Criteria: ACMG Guidelines, 2015. Collection method: clinical testing. Allele origin: germline.

KCCC/NGS Laboratory, Kuwait Cancer Control Center
Classification: Benign for Familial cancer of breast. Last evaluated: 2025-02-01. Review status: criteria provided, single submitter. Criteria: ACMG Guidelines, 2015. Collection method: clinical testing. Allele origin: germline. Affected: no.

Blueprint Genetics
Classification: Likely benign. Last evaluated: 2024-11-20. Review status: criteria provided, single submitter. Criteria: ACMG Guidelines, 2015. Collection method: clinical testing. Allele origin: germline.

Molecular Diagnostics Laboratory, Catalan Institute of Oncology
Classification: Uncertain significance for Hereditary cancer-predisposing syndrome. Last evaluated: 2024-10-01. Review status: criteria provided, single submitter. Criteria: ACMG Guidelines, 2015. Collection method: clinical testing. Allele origin: germline.
Comment: PVS1_Supporting (RNA) BRIP1 c.380-17T>A is an intronic variant located close to a canonical splice site. This variant is found in 103/258690 alleles at a frequency of 0.039% in the gnomAD v2.1.1 database, non-cancer dataset. The SpliceAI algorithm predicts that the variant impairs the splicing acceptor site of exon 5 (delta score = 0.24). An internal RNA assay with primers annealing exons 3 and 6 in cultured lymphocytes from a carrier patient in the presence of NMD-inhibition was performed. It showed that this variant abolishes the natural donor splice site of exon 5, causing the skipping of this exon (r.380_507del), which is predicted to lead to a truncated protein triggering NMD (p.Ser128*). This transcript was also detected in controls, although at a lower proportion compared to the patient sample. Quantification of transcript proportions using a tag-SNP could not be performed (PVS1_Supporting (RNA), unpublished data). It has been reported in the ClinVar database (1x Uncertain Significance; 9x Likely benign; 1x Benign) and in the LOVD database (4 likely benign) with conflicting interpretations of pathogenicity. Based on currently available information, the variant c.380-17T>A should be considered an uncertain significance variant.

CHEO Genetics Diagnostic Laboratory, Children's Hospital of Eastern Ontario
Classification: Likely benign for Breast and/or ovarian cancer. Last evaluated: 2023-06-05. Review status: criteria provided, single submitter. Criteria: ACMG Guidelines, 2015. Collection method: clinical testing. Allele origin: germline.

ARUP Laboratories, Molecular Genetics and Genomics, ARUP Laboratories
Classification: Likely benign. Last evaluated: 2023-01-06. Review status: criteria provided, single submitter. Criteria: ARUP Molecular Germline Variant Investigation Process 2024. Collection method: clinical testing. Allele origin: germline.

Sema4
Classification: Uncertain significance for Hereditary cancer-predisposing syndrome. Last evaluated: 2021-06-05. Review status: criteria provided, single submitter. Criteria: Sema4 Curation Guidelines. Collection method: curation. Allele origin: germline.
Comment: The BRIP1 c.380-17T>A variant has been reported in at least two individuals with breast cancer (PMID: 26790966, 26976419). It was observed in 30/33738 chromosomes of the Latino subpopulation in the large and broad cohorts of the Genome Aggregation Database (PMID: 32461654). The variant has been reported in ClinVar (Variation ID 136577). In silico tools suggest that the variant does not have an impact on splicing though these predictions have not been confirmed by functional studies. The evidence is insufficient to meet ACMG/AMP criteria for classifying the variant as benign or pathogenic. Thus, the clinical significance of this variant is currently uncertain.

PreventionGenetics, part of Exact Sciences
Classification: Likely benign. Last evaluated: 2017-08-24. Review status: criteria provided, single submitter. Criteria: ACMG Guidelines, 2015. Collection method: clinical testing. Allele origin: germline.

Color Diagnostics, LLC DBA Color Health
Classification: Likely benign for Hereditary cancer-predisposing syndrome. Last evaluated: 2015-07-22. Review status: criteria provided, single submitter. Criteria: ACMG Guidelines, 2015. Collection method: clinical testing. Allele origin: germline.

GeneDx
Classification: Benign. Last evaluated: 2014-01-14. Review status: criteria provided, single submitter. Criteria: GeneDx Variant Classification (06012015). Collection method: clinical testing. Allele origin: germline. Affected: yes.
Comment: This variant is considered likely benign or benign based on one or more of the following criteria: it is a conservative change, it occurs at a poorly conserved position in the protein, it is predicted to be benign by multiple in silico algorithms, and/or has population frequency not consistent with disease.

Clinical Genetics Laboratory, Department of Pathology, Netherlands Cancer Institute
Classification: Likely benign. Review status: no assertion criteria provided. Collection method: clinical testing. Allele origin: germline. Affected: yes. Study: VKGL Data-share Consensus. Not counted in ClinVar's aggregate classification.

Dr. Peter K. Rogan Lab, Western University
No classification provided (evidence only). Condition: Familial cancer of breast. Review status: no classification provided. Collection method: in vitro. Allele origin: not applicable. Functional consequence: retained intron. Not counted in ClinVar's aggregate classification.

Genome Diagnostics Laboratory, University Medical Center Utrecht
Classification: Likely benign. Review status: no assertion criteria provided. Collection method: clinical testing. Allele origin: germline. Affected: yes. Study: VKGL Data-share Consensus. Not counted in ClinVar's aggregate classification.

Joint Genome Diagnostic Labs from Nijmegen and Maastricht, Radboudumc and MUMC+
Classification: Likely benign. Review status: no assertion criteria provided. Collection method: clinical testing. Allele origin: germline. Affected: yes. Study: VKGL Data-share Consensus. Not counted in ClinVar's aggregate classification.

Literature cited by the submitters: PubMed 26790966 (cited by Sema4); PubMed 26976419 (cited by Sema4).

NM_032043.3(BRIP1):c.380-17T>A

Gene: BRIP1 (BRCA1 interacting DNA helicase 1; minus strand). Cytogenetic location: 17q23.2.
Variant type: single nucleotide variant.
Coding change: c.380-17T>A on transcript NM_032043.3 (MANE Select); 17 bases into the intron before coding-DNA position 380, T replaced by A.
Molecular consequence: intron variant.
Genome position (GRCh38, 1-based): chr17:61,849,273, A>T on the plus strand (T>A on the coding strand, the complement: BRIP1 is on the minus strand). VCF-style: chr17-61849273-A-T. GRCh37 (hg19) VCF-style: chr17-59926634-A-T.
Identifiers: ClinVar variation 136577 (VCV000136577.30), dbSNP rs200050729, ClinGen allele CA289740.